The following is an entry in ClinVar:

NM_000295.5(SERPINA1):c.1014T>C (p.Asn338=)

Gene: SERPINA1 (serpin family A member 1; minus strand). Cytogenetic location: 14q32.13.
Variant type: single nucleotide variant.
Coding change: c.1014T>C on transcript NM_000295.5 (MANE Select); coding-DNA position 1014, T replaced by C.
Protein change: p.Asn338=; no amino-acid change (asparagine 338 retained).
Molecular consequence: synonymous variant.
Genome position (GRCh38, 1-based): chr14:94,379,515, A>G on the plus strand (T>C on the coding strand, the complement: SERPINA1 is on the minus strand). VCF-style: chr14-94379515-A-G. GRCh37 (hg19) VCF-style: chr14-94845852-A-G.
Other names: c.1014T>C, p.Asn338= (NM_001002235.3, NM_001002236.3, NM_001127700.2 and 7 more transcripts).
Identifiers: ClinVar variation 3060659 (VCV003060659.4), dbSNP rs371761828, ClinGen allele CA7327333.

ClinVar aggregate classification (germline): Benign. Review status: criteria provided, single submitter (1 of 4 stars). 2 submissions from 2 submitters: Benign (1). 1 of the submissions does not count toward it. Last evaluated 2024-03-14.

Conditions:
SERPINA1-related disorder. Also called: SerpinA1-related disorders; SERPINA1-related condition.
Alpha-1-antitrypsin deficiency (A1ATD). Also called: AAT deficiency; A1AT deficiency; Alpha1-Antitrypsin Deficiency. Identifiers: Orphanet 60, MedGen C0221757, MONDO:0013282, OMIM 613490.

Allele frequency attached by ClinVar (database versions not stated): ExAC 0.00001; ESP Exome Variant Server 0.00008.

Submissions (2):

Labcorp Genetics (formerly Invitae), Labcorp
Classification: Benign for Alpha-1-antitrypsin deficiency. Last evaluated: 2024-03-14. Review status: criteria provided, single submitter. Criteria: Invitae Variant Classification Sherloc (09022015). Collection method: clinical testing. Allele origin: germline.

PreventionGenetics, part of Exact Sciences
Classification: Likely benign for SERPINA1-related condition. Last evaluated: 2021-02-09. Review status: no assertion criteria provided. Collection method: clinical testing. Allele origin: germline. Not counted in ClinVar's aggregate classification.
Comment: This variant is classified as likely benign based on ACMG/AMP sequence variant interpretation guidelines (Richards et al. 2015 PMID: 25741868, with internal and published modifications).